The following is an entry in ClinVar:

NM_015450.3(POT1):c.546+208G>A

Gene: POT1 (protection of telomeres 1; minus strand). Cytogenetic location: 7q31.33.
Variant type: single nucleotide variant.
Coding change: c.546+208G>A on transcript NM_015450.3 (MANE Select); 208 bases into the intron after coding-DNA position 546, G replaced by A.
Molecular consequence: intron variant.
Genome position (GRCh38, 1-based): chr7:124,863,142, C>T on the plus strand (G>A on the coding strand, the complement: POT1 is on the minus strand). VCF-style: chr7-124863142-C-T. GRCh37 (hg19) VCF-style: chr7-124503196-C-T.
Other names: c.153+208G>A (NM_001042594.2).
Identifiers: ClinVar variation 677011 (VCV000677011.1), dbSNP rs4397336, ClinGen allele CA12669340.

ClinVar aggregate classification (germline): Benign (1 of 4 stars; one submission).

Allele frequency attached by ClinVar (database versions not stated): 1000 Genomes Project 30x 0.22080; 1000 Genomes Project 0.22204; TOPMed 0.27047; gnomAD 0.28992 and 0.29056.

Submission:

GeneDx
Classification: Benign. Last evaluated: 2018-06-12. Review status: criteria provided, single submitter. Criteria: GeneDx Variant Classification (06012015). Collection method: clinical testing. Allele origin: germline. Affected: yes.
Comment: This variant is considered likely benign or benign based on one or more of the following criteria: it is a conservative change, it occurs at a poorly conserved position in the protein, it is predicted to be benign by multiple in silico algorithms, and/or has population frequency not consistent with disease.